The following is an entry in ClinVar:

NM_003922.4(HERC1):c.1585G>A (p.Asp529Asn)

Gene: HERC1 (HECT and RLD domain containing E3 ubiquitin protein ligase family member 1; minus strand). Cytogenetic location: 15q22.31.
Variant type: single nucleotide variant.
Coding change: c.1585G>A on transcript NM_003922.4 (MANE Select); coding-DNA position 1585, G replaced by A.
Protein change: p.Asp529Asn; replaces aspartic acid 529 with asparagine.
Molecular consequence: missense variant.
Genome position (GRCh38, 1-based): chr15:63,755,274, C>T on the plus strand (G>A on the coding strand, the complement: HERC1 is on the minus strand). VCF-style: chr15-63755274-C-T. GRCh37 (hg19) VCF-style: chr15-64047473-C-T.
Other names: short protein forms D529N.
Identifiers: ClinVar variation 3253390 (VCV003253390.1), dbSNP rs2551778668.
Genomic context (GRCh38, chr15:63,755,274, plus strand): 5'-TTTAAAAAATCTTACCTAATCTTCCAAAGTCTCCTTCACCCCATGTGTATAATTCCCCAT[C>T]CTCTGTGACAGCAGCACTATGTCTGTATCCAGCTGACACACAAACAACTACCTGCATTGC-3'
Protein context (NP_003913.3, residues 519-539): GYRHSAAVTE[Asp529Asn]GELYTWGEGD

ClinVar aggregate classification (germline): Uncertain significance (1 of 4 stars; one submission).

Submission:

GeneDx
Classification: Uncertain significance. Last evaluated: 2023-12-11. Review status: criteria provided, single submitter. Criteria: GeneDx Variant Classification Process June 2021. Collection method: clinical testing. Allele origin: germline. Affected: yes.
Comment: Not observed at significant frequency in large population cohorts (gnomAD); In silico analysis supports that this missense variant does not alter protein structure/function; Has not been previously published as pathogenic or benign to our knowledge